The following is an entry in ClinVar:

NM_182961.4(SYNE1):c.2728A>G (p.Ser910Gly)

Gene: SYNE1 (spectrin repeat containing nuclear envelope protein 1; minus strand). Cytogenetic location: 6q25.2.
Variant type: single nucleotide variant.
Coding change: c.2728A>G on transcript NM_182961.4 (MANE Select); coding-DNA position 2728, A replaced by G.
Protein change: p.Ser910Gly; replaces serine 910 with glycine.
Molecular consequence: missense variant.
Genome position (GRCh38, 1-based): chr6:152,455,590, T>C on the plus strand (A>G on the coding strand, the complement: SYNE1 is on the minus strand). VCF-style: chr6-152455590-T-C. GRCh37 (hg19) VCF-style: chr6-152776725-T-C.
Other names: c.2728A>G (NM_182961.2); c.2749A>G, p.Ser917Gly (NM_033071.5); short protein forms S910G, S917G.
Identifiers: ClinVar variation 290487 (VCV000290487.14), dbSNP rs141214076, ClinGen allele CA4059036.

ClinVar aggregate classification (germline): Conflicting classifications of pathogenicity. Review status: criteria provided, conflicting classifications (1 of 4 stars). 4 submissions from 4 submitters: Uncertain significance (3); Likely benign (1). Last evaluated 2025-07-22.

Conditions:
Autosomal recessive ataxia, Beauce type. Also called: Spinocerebellar ataxia, autosomal recessive 8; ATAXIA, RECESSIVE, OF BEAUCE; SYNE1 Deficiency; SYNE1-Related Autosomal Recessive Cerebellar Ataxia. Identifiers: Orphanet 88644, MedGen C1853116, MONDO:0012549, OMIM 610743.
Emery-Dreifuss muscular dystrophy 4, autosomal dominant (EDMD4). Also called: EMERY-DREIFUSS MUSCULAR DYSTROPHY 4 WITH VARIABLE FEATURES. Identifiers: Orphanet 261, MedGen C2751807, MONDO:0013071, OMIM 612998.

Allele frequency attached by ClinVar (database versions not stated): gnomAD 0.00041; ESP Exome Variant Server 0.00054; TOPMed 0.00062; 1000 Genomes Project 0.00100; 1000 Genomes Project 30x 0.00141.
gnomAD v4.1: 153 of 1,614,166 alleles (0.0095%); highest among the groups gnomAD compares: African/African-American, 0.19%; no homozygotes.

Submissions (4):

GeneDx
Classification: Uncertain significance. Last evaluated: 2025-07-22. Review status: criteria provided, single submitter. Criteria: GeneDx Variant Classification Process June 2021. Collection method: clinical testing. Allele origin: germline. Affected: yes.
Comment: In silico analysis suggests that this missense variant does not alter protein structure/function; Has not been previously published as pathogenic or benign to our knowledge

Labcorp Genetics (formerly Invitae), Labcorp
Classification: Uncertain significance for Emery-Dreifuss muscular dystrophy 4, autosomal dominant; Autosomal recessive ataxia, Beauce type. Last evaluated: 2022-09-27. Review status: criteria provided, single submitter. Criteria: Invitae Variant Classification Sherloc (09022015). Collection method: clinical testing. Allele origin: germline.
Comment: This sequence change replaces serine, which is neutral and polar, with glycine, which is neutral and non-polar, at codon 917 of the SYNE1 protein (p.Ser917Gly). This variant is present in population databases (rs141214076, gnomAD 0.2%). This variant has not been reported in the literature in individuals affected with SYNE1-related conditions. ClinVar contains an entry for this variant (Variation ID: 290487). Algorithms developed to predict the effect of missense changes on protein structure and function (SIFT, PolyPhen-2, Align-GVGD) all suggest that this variant is likely to be tolerated. Algorithms developed to predict the effect of sequence changes on RNA splicing suggest that this variant may disrupt the consensus splice site. In summary, the available evidence is currently insufficient to determine the role of this variant in disease. Therefore, it has been classified as a Variant of Uncertain Significance.

Athena Diagnostics
Classification: Likely benign. Last evaluated: 2020-09-17. Review status: criteria provided, single submitter. Criteria: Athena Diagnostics criteria. Collection method: clinical testing. Allele origin: unknown.

Eurofins Ntd Llc (ga)
Classification: Uncertain significance. Last evaluated: 2017-06-07. Review status: criteria provided, single submitter. Criteria: EGL Classification Definitions 2015. Collection method: clinical testing. Allele origin: germline. Observed: 4 variant alleles, 4 heterozygotes.